The following is an entry in ClinVar:

NM_000969.5(RPL5):c.190-3T>C

Genes: DIPK1A (divergent protein kinase domain 1A; minus strand), RPL5 (ribosomal protein L5; plus strand). Cytogenetic location: 1p22.1.
Variant type: single nucleotide variant.
Coding change: c.190-3T>C on transcript NM_000969.5 (MANE Select); 3 bases into the intron before coding-DNA position 190, T replaced by C.
Molecular consequence: intron variant.
Genome position (GRCh38, 1-based): chr1:92,834,776, T>C. VCF-style: chr1-92834776-T-C. GRCh37 (hg19) VCF-style: chr1-93300333-T-C.
Other names: c.475-1742A>G (NM_001252273.2).
Identifiers: ClinVar variation 2706503 (VCV002706503.3), dbSNP rs1437532819, ClinGen allele CA740406069.

ClinVar aggregate classification (germline): Uncertain significance (1 of 4 stars; one submission).

Conditions:
Diamond-Blackfan anemia. Also called: Blackfan Diamond syndrome; Aregenerative anemia chronic congenital; Red cell aplasia, pure hereditary; Congenital hypoplastic anemia; Aase syndrome. Identifiers: Orphanet 124, MedGen C1260899, MeSH D029503, MONDO:0015253, HP:0004810.

Allele frequency attached by ClinVar (database versions not stated): TOPMed below 0.00001.

Submission:

Labcorp Genetics (formerly Invitae), Labcorp
Classification: Uncertain significance for Diamond-Blackfan anemia. Last evaluated: 2023-12-30. Review status: criteria provided, single submitter. Criteria: Invitae Variant Classification Sherloc (09022015). Collection method: clinical testing. Allele origin: germline.
Comment: This sequence change falls in intron 3 of the RPL5 gene. It does not directly change the encoded amino acid sequence of the RPL5 protein. It affects a nucleotide within the consensus splice site. This variant is not present in population databases (gnomAD no frequency). This variant has not been reported in the literature in individuals affected with RPL5-related conditions. Variants that disrupt the consensus splice site are a relatively common cause of aberrant splicing (PMID: 17576681, 9536098). Algorithms developed to predict the effect of sequence changes on RNA splicing suggest that this variant is not likely to affect RNA splicing. In summary, the available evidence is currently insufficient to determine the role of this variant in disease. Therefore, it has been classified as a Variant of Uncertain Significance.

Literature cited by the submitters: PubMed 17576681; PubMed 9536098.